The following is an entry in ClinVar:

NM_001379029.1(CERT1):c.1568C>T (p.Pro523Leu)

Gene: CERT1 (ceramide transporter 1; minus strand). Cytogenetic location: 5q13.3.
Variant type: single nucleotide variant.
Coding change: c.1568C>T on transcript NM_001379029.1 (MANE Select); coding-DNA position 1568, C replaced by T.
Protein change: p.Pro523Leu; replaces proline 523 with leucine.
Molecular consequence: missense variant.
Genome position (GRCh38, 1-based): chr5:75,381,998, G>A on the plus strand (C>T on the coding strand, the complement: CERT1 is on the minus strand). VCF-style: chr5-75381998-G-A. GRCh37 (hg19) VCF-style: chr5-74677823-G-A.
Other names: c.1952C>T, p.Pro651Leu (NM_001130105.1); c.1568C>T, p.Pro523Leu (NM_001379002.1, NM_005713.3); c.1490C>T, p.Pro497Leu (NM_001379003.1, NM_001379004.1, NM_031361.3); short protein forms P497L, P523L, P651L.
Identifiers: ClinVar variation 3911973 (VCV003911973.2).

ClinVar aggregate classification (germline): Uncertain significance (1 of 4 stars; one submission).

gnomAD v4.1: 1 of 1,613,860 alleles (0.000062%); highest among the groups gnomAD compares: Non-Finnish European, 0.000085%; no homozygotes.

Submission:

Women's Health and Genetics/Laboratory Corporation of America, LabCorp
Classification: Uncertain significance. Last evaluated: 2025-07-02. Review status: criteria provided, single submitter. Criteria: LabCorp Variant Classification Summary - May 2015. Collection method: clinical testing. Allele origin: germline.
Comment: Variant summary: CERT1 c.1952C>T (p.Pro651Leu) results in a non-conservative amino acid change in the encoded protein sequence. Algorithms developed to predict the effect of missense changes on protein structure and function are either unavailable or do not agree on the potential impact of this missense change. The variant was absent in 250846 control chromosomes. The available data on variant occurrences in the general population are insufficient to allow any conclusion about variant significance. To our knowledge, no occurrence of c.1952C>T in individuals affected with Intellectual Disability, Autosomal Dominant 34 and no experimental evidence demonstrating its impact on protein function have been reported. No submitters have cited clinical-significance assessments for this variant to ClinVar. Based on the evidence outlined above, the variant was classified as uncertain significance.